The following is an entry in ClinVar:

ClinVar aggregate classification (germline): Benign (1 of 4 stars; one submission).

Conditions:
Brain small vessel disease 2A, autosomal dominant. Also called: Porencephaly 2. Identifiers: Orphanet 2940, Orphanet 99810, MedGen C3280970, MONDO:0013773, OMIM 614483.

Allele frequency attached by ClinVar (database versions not stated): TOPMed 0.00002; gnomAD 0.00003; 1000 Genomes Project 30x 0.00031; 1000 Genomes Project 0.00040.

Submission:

Illumina Laboratory Services, Illumina
Classification: Benign for Brain small vessel disease 2A, autosomal dominant. Last evaluated: 2018-01-12. Review status: criteria provided, single submitter. Criteria: ICSL Variant Classification Criteria 13 December 2019. Collection method: clinical testing. Allele origin: germline.
Comment: This variant was observed in the ICSL laboratory as part of a predisposition screen in an ostensibly healthy population. It had not been previously curated by ICSL or reported in the Human Gene Mutation Database (HGMD: prior to June 1st, 2018), and was therefore a candidate for classification through an automated scoring system. Utilizing variant allele frequency, disease prevalence and penetrance estimates, and inheritance mode, an automated score was calculated to assess if this variant is too frequent to cause the disease. Based on the score and internal cut-off values, a variant classified as benign is not then subjected to further curation. The score for this variant resulted in a classification of benign for this disease.

NM_001846.4(COL4A2):c.*769G>A

Gene: COL4A2 (collagen type IV alpha 2 chain; plus strand). Cytogenetic location: 13q34.
Variant type: single nucleotide variant.
Coding change: c.*769G>A on transcript NM_001846.4 (MANE Select); 769 bases downstream of the stop codon, G replaced by A.
Molecular consequence: 3 prime UTR variant.
Genome position (GRCh38, 1-based): chr13:110,512,960, G>A. VCF-style: chr13-110512960-G-A. GRCh37 (hg19) VCF-style: chr13-111165307-G-A.
Identifiers: ClinVar variation 311215 (VCV000311215.5), dbSNP rs2274543, ClinGen allele CA10639039.